The following is an entry in ClinVar:

ClinVar aggregate classification (germline): Uncertain significance. Review status: criteria provided, multiple submitters, no conflicts (2 of 4 stars). 4 submissions from 4 submitters: Uncertain significance (4). Last evaluated 2025-11-02.

Conditions:
Familial adenomatous polyposis 1 (FAP1). Also called: POLYPOSIS, ADENOMATOUS INTESTINAL; FAMILIAL ADENOMATOUS POLYPOSIS 1, ATTENUATED. Identifiers: MedGen C2713442, MONDO:0021056, OMIM 175100. Disease mechanism: loss of function.
Classic or attenuated familial adenomatous polyposis. Identifiers: MedGen CN372698, MONDO:0021057.
Hereditary cancer-predisposing syndrome. Also called: Hereditary neoplastic syndrome; Neoplastic Syndromes, Hereditary; Tumor predisposition; Hereditary Cancer Syndrome. Identifiers: Orphanet 140162, MedGen C0027672, MeSH D009386, MONDO:0015356.

Allele frequency attached by ClinVar (database versions not stated): gnomAD exomes below 0.00001.

Submissions (4):

Labcorp Genetics (formerly Invitae), Labcorp
Classification: Uncertain significance for Familial adenomatous polyposis 1. Last evaluated: 2025-11-02. Review status: criteria provided, single submitter. Criteria: Invitae Variant Classification Sherloc (09022015). Collection method: clinical testing. Allele origin: germline.
Comment: This sequence change replaces glutamic acid, which is acidic and polar, with glutamine, which is neutral and polar, at codon 911 of the APC protein (p.Glu911Gln). This variant is not present in population databases (gnomAD no frequency). This variant has not been reported in the literature in individuals affected with APC-related conditions. ClinVar contains an entry for this variant (Variation ID: 469769). Invitae Evidence Modeling of protein sequence and biophysical properties (such as structural, functional, and spatial information, amino acid conservation, physicochemical variation, residue mobility, and thermodynamic stability) indicates that this missense variant is not expected to disrupt APC protein function with a negative predictive value of 95%. In summary, the available evidence is currently insufficient to determine the role of this variant in disease. Therefore, it has been classified as a Variant of Uncertain Significance.

Ambry Genetics
Classification: Uncertain significance for Hereditary cancer-predisposing syndrome. Last evaluated: 2025-05-17. Review status: criteria provided, single submitter. Criteria: Ambry Variant Classification Scheme 2023. Collection method: clinical testing. Allele origin: germline.
Comment: The p.E911Q variant (also known as c.2731G>C), located in coding exon 15 of the APC gene, results from a G to C substitution at nucleotide position 2731. The glutamic acid at codon 911 is replaced by glutamine, an amino acid with highly similar properties. This amino acid position is well conserved in available vertebrate species. In addition, in silico predictors for this gene do not accurately predict pathogenicity. Since supporting evidence is limited at this time, the clinical significance of this alteration remains unclear.

All of Us Research Program, National Institutes of Health
Classification: Uncertain significance for Classic or attenuated familial adenomatous polyposis. Last evaluated: 2023-07-19. Review status: criteria provided, single submitter. Criteria: ACMG Guidelines, 2015. Collection method: clinical testing. Allele origin: germline. Inheritance: Autosomal dominant inheritance. Observed: 1 variant allele, 1 heterozygote.
Comment: This missense variant replaces glutamic acid with glutamine at codon 911 of the APC protein. Computational prediction suggests that this variant may not impact protein structure and function (internally defined REVEL score threshold <= 0.5, PMID: 27666373). Splice site prediction tools suggest that this variant may not impact RNA splicing. To our knowledge, functional studies have not been performed for this variant. This variant has not been reported in individuals affected with hereditary cancer in the literature. This variant has not been identified in the general population by the Genome Aggregation Database (gnomAD). The available evidence is insufficient to determine the role of this variant in disease conclusively. Therefore, this variant is classified as a Variant of Uncertain Significance.

This study involves interpretation of variants in research participants for the purpose of population health screening. Participant phenotype was not available at the time of variant classification. Additional details can be found in publication PMID: 35346344, PMCID: PMC8962531

Color Diagnostics, LLC DBA Color Health
Classification: Uncertain significance for Hereditary cancer-predisposing syndrome. Last evaluated: 2023-06-29. Review status: criteria provided, single submitter. Criteria: ACMG Guidelines, 2015. Collection method: clinical testing. Allele origin: germline.
Comment: This missense variant replaces glutamic acid with glutamine at codon 911 of the APC protein. Computational prediction suggests that this variant may not impact protein structure and function (internally defined REVEL score threshold <= 0.5, PMID: 27666373). To our knowledge, functional studies have not been reported for this variant. This variant has not been reported in individuals affected with APC-related disorders in the literature. This variant has not been identified in the general population by the Genome Aggregation Database (gnomAD). The available evidence is insufficient to determine the role of this variant in disease conclusively. Therefore, this variant is classified as a Variant of Uncertain Significance.

NM_000038.6(APC):c.2731G>C (p.Glu911Gln)

Gene: APC (APC regulator of Wnt signaling pathway; plus strand). Cytogenetic location: 5q22.2.
Variant type: single nucleotide variant.
Coding change: c.2731G>C on transcript NM_000038.6 (MANE Select); coding-DNA position 2731, G replaced by C.
Protein change: p.Glu911Gln; replaces glutamic acid 911 with glutamine.
Molecular consequence: missense variant.
Genome position (GRCh38, 1-based): chr5:112,838,325, G>C. VCF-style: chr5-112838325-G-C. GRCh37 (hg19) VCF-style: chr5-112174022-G-C.
Other names: c.2731G>C, p.Glu911Gln (NM_001127510.3, NM_001354895.2); c.2677G>C, p.Glu893Gln (NM_001127511.3); c.2785G>C, p.Glu929Gln (NM_001354896.2); c.2761G>C, p.Glu921Gln (NM_001354897.2); c.2656G>C, p.Glu886Gln (NM_001354898.2); c.2647G>C, p.Glu883Gln (NM_001354899.2); c.2608G>C, p.Glu870Gln (NM_001354900.2); c.2554G>C, p.Glu852Gln (NM_001354901.2); and 5 more; short protein forms E893Q, E911Q, E886Q, E785Q, E852Q, E921Q, E628Q, E810Q.
Identifiers: ClinVar variation 469769 (VCV000469769.24), dbSNP rs398123119, ClinGen allele CA16027287.